The following is an entry in ClinVar:

NM_080680.3(COL11A2):c.3545del (p.Pro1182fs)

Gene: COL11A2 (collagen type XI alpha 2 chain; minus strand). Cytogenetic location: 6p21.32.
Variant type: Deletion.
Coding change: c.3545del on transcript NM_080680.3 (MANE Select); coding-DNA position 3545, one base deleted (C; older notation c.3545delC).
Protein change: p.Pro1182fs; shifts the reading frame from proline 1182.
Molecular consequence: frameshift variant.
Genome position (GRCh38, 1-based): chr6:33,170,363, G deleted on the plus strand (C on the coding strand, the reverse complement: COL11A2 is on the minus strand); the first of 6 consecutive G bases (chr6:33,170,363-33,170,368); deleting any one gives the same sequence. VCF-style (leftmost placement, unchanged base first): chr6-33170362-TG-T. GRCh37 (hg19) VCF-style: chr6-33138139-TG-T.
Other names: c.3224del, p.Pro1075fs (NM_080679.3); c.3287del, p.Pro1096fs (NM_080681.3); short protein forms P1096fs, P1182fs, P1075fs.
Identifiers: ClinVar variation 1357508 (VCV001357508.6), dbSNP rs766211536, ClinGen allele CA2573140198.
Genomic context (GRCh38, chr6:33,170,362, plus strand): 5'-GGGACAGGGGCTGAGATGACTCACATCAGCGCCATTGGGTCCAGCTGGACCTCGAGGTCC[TG>T]GGGGGCCAGGTGGTCCCTGGGGGAAACAGATACACCACAGATGAGGAAGGGAAGTGAGAT-3'

ClinVar aggregate classification (germline): Pathogenic (1 of 4 stars; one submission).

Submission:

Labcorp Genetics (formerly Invitae), Labcorp
Classification: Pathogenic. Last evaluated: 2021-09-06. Review status: criteria provided, single submitter. Criteria: Invitae Variant Classification Sherloc (09022015). Collection method: clinical testing. Allele origin: germline.
Comment: This sequence change creates a premature translational stop signal (p.Pro1182Glnfs*163) in the COL11A2 gene. It is expected to result in an absent or disrupted protein product. Loss-of-function variants in COL11A2 are known to be pathogenic (PMID: 10677296, 21204229). This variant is not present in population databases (ExAC no frequency). This variant has not been reported in the literature in individuals affected with COL11A2-related conditions. For these reasons, this variant has been classified as Pathogenic.

Literature cited by the submitters: PubMed 10677296; PubMed 21204229.